The following is an entry in ClinVar:

NM_001692.4(ATP6V1B1):c.1303dup (p.Glu435fs)

Gene: ATP6V1B1 (ATPase H+ transporting V1 subunit B1; plus strand). Cytogenetic location: 2p13.3.
Variant type: Duplication.
Coding change: c.1303dup on transcript NM_001692.4 (MANE Select); coding-DNA position 1303, one base duplicated (G; older notation c.1303dupG).
Protein change: p.Glu435fs; shifts the reading frame from glutamic acid 435.
Molecular consequence: frameshift variant.
Genome position (GRCh38, 1-based): chr2:70,964,790, G duplicated; the last of 4 consecutive G bases (chr2:70,964,787-70,964,790); duplicating any one gives the same sequence. VCF-style (leftmost placement, unchanged base first): chr2-70964786-T-TG. GRCh37 (hg19) VCF-style: chr2-71191916-T-TG.
Other names: short protein forms E435fs.
Identifiers: ClinVar variation 1072671 (VCV001072671.8), dbSNP rs2104834401, ClinGen allele CA2499216198.
Genomic context (GRCh38, chr2:70,964,786, plus strand): 5'-CCTCCCCCAGTACGCCTGCTATGCCATCGGGAAGGACGTGCAGGCCATGAAGGCAGTAGT[T>TG]GGGGAGGAGGCGCTCACCTCTGAGGACCTGCTCTACCTGGAATTCCTGCAGAAGTTTGAG-3'

ClinVar aggregate classification (germline): Pathogenic/Likely pathogenic. Review status: criteria provided, multiple submitters, no conflicts (2 of 4 stars). 2 submissions from 2 submitters: Pathogenic (1); Likely pathogenic (1). Last evaluated 2023-10-26.

Conditions:
ATP6V1B1-related disorder. Also called: ATP6V1B1-related condition.

Submissions (2):

Labcorp Genetics (formerly Invitae), Labcorp
Classification: Pathogenic. Last evaluated: 2023-10-26. Review status: criteria provided, single submitter. Criteria: Invitae Variant Classification Sherloc (09022015). Collection method: clinical testing. Allele origin: germline.
Comment: This sequence change creates a premature translational stop signal (p.Glu435Glyfs*7) in the ATP6V1B1 gene. It is expected to result in an absent or disrupted protein product. Loss-of-function variants in ATP6V1B1 are known to be pathogenic (PMID: 9916796, 18368028). This variant is not present in population databases (gnomAD no frequency). This variant has not been reported in the literature in individuals affected with ATP6V1B1-related conditions. ClinVar contains an entry for this variant (Variation ID: 1072671). Algorithms developed to predict the effect of sequence changes on RNA splicing suggest that this variant may disrupt the consensus splice site. For these reasons, this variant has been classified as Pathogenic.

Blueprint Genetics
Classification: Likely pathogenic for ATP6V1B1-related disorders. Last evaluated: 2022-01-14. Review status: criteria provided, single submitter. Criteria: ACMG Guidelines, 2015. Collection method: clinical testing. Allele origin: germline. Affected: yes. Observed: 1 variant allele.

Literature cited by the submitters: PubMed 9916796 (cited by Labcorp Genetics (formerly Invitae), Labcorp); PubMed 18368028 (cited by Labcorp Genetics (formerly Invitae), Labcorp).